The following is an entry in ClinVar:

ClinVar aggregate classification (germline): Uncertain significance (1 of 4 stars; one submission).

Allele frequency attached by ClinVar (database versions not stated): gnomAD exomes below 0.00001.
gnomAD v4.1: 1 of 1,173,827 alleles (0.000085%); highest among the groups gnomAD compares: East Asian, 0.003%; no homozygotes.

Submission:

GeneDx
Classification: Uncertain significance. Last evaluated: 2023-06-02. Review status: criteria provided, single submitter. Criteria: GeneDx Variant Classification Process June 2021. Collection method: clinical testing. Allele origin: germline. Affected: yes.
Comment: Not observed at significant frequency in large population cohorts (gnomAD); In silico analysis supports that this missense variant has a deleterious effect on protein structure/function; Has not been previously published as pathogenic or benign to our knowledge

NM_002547.3(OPHN1):c.1282A>C (p.Lys428Gln)

Gene: OPHN1 (oligophrenin 1; minus strand). Cytogenetic location: Xq12.
Variant type: single nucleotide variant.
Coding change: c.1282A>C on transcript NM_002547.3 (MANE Select); coding-DNA position 1282, A replaced by C.
Protein change: p.Lys428Gln; replaces lysine 428 with glutamine.
Molecular consequence: missense variant.
Genome position (GRCh38, 1-based): chrX:68,119,327, T>G on the plus strand (A>C on the coding strand, the complement: OPHN1 is on the minus strand). VCF-style: chrX-68119327-T-G. GRCh37 (hg19) VCF-style: chrX-67339169-T-G.
Other names: short protein forms K428Q.
Identifiers: ClinVar variation 2504180 (VCV002504180.1), dbSNP rs2519704678, ClinGen allele CA413432126.